The following is an entry in ClinVar:

ClinVar aggregate classification (germline): Likely benign. Review status: criteria provided, multiple submitters, no conflicts (2 of 4 stars). 3 submissions from 3 submitters: Likely benign (3). Last evaluated 2024-12-23.

Conditions:
PLEC-related disorder. Also called: PLEC-related condition; PLEC-related disorders.

Allele frequency attached by ClinVar (database versions not stated): gnomAD 0.00001 and 0.00014; TOPMed 0.00002; gnomAD exomes 0.00048; 1000 Genomes Project 0.00060; 1000 Genomes Project 30x 0.00062; ExAC 0.00062.
gnomAD v4.1: 376 of 1,612,784 alleles (0.023%); highest among the groups gnomAD compares: South Asian, 0.36%; 1 homozygote.

Submissions (3):

PreventionGenetics, part of Exact Sciences
Classification: Likely benign for PLEC-related condition. Last evaluated: 2024-12-23. Review status: criteria provided, single submitter. Criteria: ACMG Guidelines, 2015. Collection method: clinical testing. Allele origin: germline.
Comment: This variant is classified as likely benign based on ACMG/AMP sequence variant interpretation guidelines (Richards et al. 2015 PMID: 25741868, with internal and published modifications).

Blueprint Genetics
Classification: Likely benign. Last evaluated: 2024-05-23. Review status: criteria provided, single submitter. Criteria: ACMG Guidelines, 2015. Collection method: clinical testing. Allele origin: germline.

GeneDx
Classification: Likely benign. Last evaluated: 2020-11-11. Review status: criteria provided, single submitter. Criteria: GeneDx Variant Classification Process June 2021. Collection method: clinical testing. Allele origin: germline. Affected: yes.

NM_201384.3(PLEC):c.62C>T (p.Ser21Leu)

Genes: PLEC (plectin; minus strand), LOC130001338 (ATAC-STARR-seq lymphoblastoid active region 28078; plus strand). Cytogenetic location: 8q24.3.
Variant type: single nucleotide variant.
Coding change: c.62C>T on transcript NM_201384.3 (MANE Select); coding-DNA position 62, C replaced by T.
Protein change: p.Ser21Leu; replaces serine 21 with leucine.
Molecular consequence: missense variant. On other transcripts: intron variant (7).
Genome position (GRCh38, 1-based): chr8:143,939,400, G>A on the plus strand (C>T on the coding strand, the complement: PLEC is on the minus strand). VCF-style: chr8-143939400-G-A. GRCh37 (hg19) VCF-style: chr8-145013568-G-A.
Other names: c.62C>T (NM_201384.2); c.194-708C>T (NM_000445.5); c.71-708C>T (NM_201378.4); c.47-708C>T (NM_201379.3); c.524-708C>T (NM_201380.4); c.17-708C>T (NM_201381.3); c.113-708C>T (NM_201382.4); c.125-708C>T (NM_201383.3); short protein forms S21L.
Identifiers: ClinVar variation 1191495 (VCV001191495.4), dbSNP rs575886715, ClinGen allele CA4928672.